The following is an entry in ClinVar:

NM_002088.5(GRIK5):c.1156C>G (p.Arg386Gly)

Gene: GRIK5 (glutamate ionotropic receptor kainate type subunit 5; minus strand). Cytogenetic location: 19q13.2.
Variant type: single nucleotide variant.
Coding change: c.1156C>G on transcript NM_002088.5 (MANE Select); coding-DNA position 1156, C replaced by G.
Protein change: p.Arg386Gly; replaces arginine 386 with glycine.
Molecular consequence: missense variant.
Genome position (GRCh38, 1-based): chr19:42,053,830, G>C on the plus strand (C>G on the coding strand, the complement: GRIK5 is on the minus strand). VCF-style: chr19-42053830-G-C. GRCh37 (hg19) VCF-style: chr19-42557982-G-C.
Other names: c.1156C>G, p.Arg386Gly (NM_001301030.2); short protein forms R386G.
Identifiers: ClinVar variation 5002585 (VCV005002585.1).

ClinVar aggregate classification (germline): Uncertain significance (1 of 4 stars; one submission).

Conditions:
GRIK5-related disorder. Also called: GRIK5-related condition.

Submission:

PreventionGenetics, part of Exact Sciences
Classification: Uncertain significance for GRIK5-related condition. Last evaluated: 2024-12-17. Review status: criteria provided, single submitter. Criteria: ACMG Guidelines, 2015. Collection method: clinical testing. Allele origin: germline.
Comment: The GRIK5 c.1156C>G variant is predicted to result in the amino acid substitution p.Arg386Gly. To our knowledge, this variant has not been reported in the literature or in a large population database (gnomAD), indicating this variant is rare. At this time, the clinical significance of this variant is uncertain due to the absence of conclusive functional and genetic evidence.